The following is an entry in ClinVar:

ClinVar aggregate classification (germline): Uncertain significance. Review status: criteria provided, multiple submitters, no conflicts (2 of 4 stars). 2 submissions from 2 submitters: Uncertain significance (2). Last evaluated 2024-11-22.

Conditions:
Inborn genetic diseases. Identifiers: MedGen C0950123, MeSH D030342.

Allele frequency attached by ClinVar (database versions not stated): gnomAD exomes 0.00002 and 0.00004; TOPMed 0.00004; ExAC 0.00005; gnomAD 0.00005 and 0.00006; ESP Exome Variant Server 0.00024.
gnomAD v4.1: 66 of 1,612,404 alleles (0.0041%); highest among the groups gnomAD compares: Non-Finnish European, 0.0055%; no homozygotes.

Submissions (2):

Labcorp Genetics (formerly Invitae), Labcorp
Classification: Uncertain significance. Last evaluated: 2024-11-22. Review status: criteria provided, single submitter. Criteria: Invitae Variant Classification Sherloc (09022015). Collection method: clinical testing. Allele origin: germline.
Comment: This sequence change replaces isoleucine, which is neutral and non-polar, with threonine, which is neutral and polar, at codon 522 of the OBSL1 protein (p.Ile522Thr). This variant is present in population databases (rs374402325, gnomAD 0.006%). This variant has not been reported in the literature in individuals affected with OBSL1-related conditions. ClinVar contains an entry for this variant (Variation ID: 1419352). An algorithm developed to predict the effect of missense changes on protein structure and function (PolyPhen-2) suggests that this variant¬†is likely to be tolerated. In summary, the available evidence is currently insufficient to determine the role of this variant in disease. Therefore, it has been classified as a Variant of Uncertain Significance.

Ambry Genetics
Classification: Uncertain significance for Inborn genetic diseases. Last evaluated: 2021-08-02. Review status: criteria provided, single submitter. Criteria: Ambry Variant Classification Scheme 2023. Collection method: clinical testing. Allele origin: germline.

NM_015311.3(OBSL1):c.1565T>C (p.Ile522Thr)

Gene: OBSL1 (obscurin like cytoskeletal adaptor 1; minus strand). Cytogenetic location: 2q35.
Variant type: single nucleotide variant.
Coding change: c.1565T>C on transcript NM_015311.3 (MANE Select); coding-DNA position 1565, T replaced by C.
Protein change: p.Ile522Thr; replaces isoleucine 522 with threonine.
Molecular consequence: missense variant.
Genome position (GRCh38, 1-based): chr2:219,567,545, A>G on the plus strand (T>C on the coding strand, the complement: OBSL1 is on the minus strand). VCF-style: chr2-219567545-A-G. GRCh37 (hg19) VCF-style: chr2-220432267-A-G.
Other names: c.1565T>C, p.Ile522Thr (NM_001173408.2, NM_001173431.2); c.1565T>C (NM_015311.2); short protein forms I522T.
Identifiers: ClinVar variation 1419352 (VCV001419352.5), dbSNP rs374402325, ClinGen allele CA2131488.